The following is an entry in ClinVar:

NM_001197104.2(KMT2A):c.6700G>A (p.Gly2234Arg)

Gene: KMT2A (lysine methyltransferase 2A; plus strand). Cytogenetic location: 11q23.3.
Variant type: single nucleotide variant.
Coding change: c.6700G>A on transcript NM_001197104.2 (MANE Select); coding-DNA position 6700, G replaced by A.
Protein change: p.Gly2234Arg; replaces glycine 2234 with arginine.
Molecular consequence: missense variant.
Genome position (GRCh38, 1-based): chr11:118,502,592, G>A. VCF-style: chr11-118502592-G-A. GRCh37 (hg19) VCF-style: chr11-118373307-G-A.
Other names: c.6691G>A, p.Gly2231Arg (NM_005933.4); short protein forms G2231R, G2234R.
Identifiers: ClinVar variation 1219360 (VCV001219360.11), dbSNP rs782272214, ClinGen allele CA6304301.
Genomic context (GRCh38, chr11:118,502,592, plus strand): 5'-TCTCCAATGAGAACTGGGAATACTTACTCTAGGAATAATGTTTCCTCAGTCTCCACCACC[G>A]GGACCGCTACTGATCTTGAATCAAGTGCCAAAGTAGTTGATCATGTCTTAGGGCCACTGA-3'
Protein context (NP_001184033.1, residues 2224-2244): RNNVSSVSTT[Gly2234Arg]TATDLESSAK

ClinVar aggregate classification (germline): Conflicting classifications of pathogenicity. Review status: criteria provided, conflicting classifications (1 of 4 stars). 4 submissions from 4 submitters: Uncertain significance (1); Likely benign (3). Last evaluated 2026-02-01.

Conditions:
Inborn genetic diseases. Identifiers: MedGen C0950123, MeSH D030342.

Allele frequency attached by ClinVar (database versions not stated): ExAC 0.00002; gnomAD 0.00005; gnomAD exomes 0.00005 and 0.00007; TOPMed 0.00007.
gnomAD v4.1: 108 of 1,614,030 alleles (0.0067%); highest among the groups gnomAD compares: Admixed American, 0.025%; no homozygotes.

Submissions (4):

Labcorp Genetics (formerly Invitae), Labcorp
Classification: Uncertain significance. Last evaluated: 2026-02-01. Review status: criteria provided, single submitter. Criteria: Invitae Variant Classification Sherloc (09022015). Collection method: clinical testing. Allele origin: germline.
Comment: This sequence change replaces glycine, which is neutral and non-polar, with arginine, which is basic and polar, at codon 2234 of the KMT2A protein (p.Gly2234Arg). This variant is present in population databases (rs782272214, gnomAD 0.03%). This variant has not been reported in the literature in individuals affected with KMT2A-related conditions. ClinVar contains an entry for this variant (Variation ID: 1219360). Invitae Evidence Modeling of protein sequence and biophysical properties (such as structural, functional, and spatial information, amino acid conservation, physicochemical variation, residue mobility, and thermodynamic stability) indicates that this missense variant is not expected to disrupt KMT2A protein function with a negative predictive value of 95%. In summary, the available evidence is currently insufficient to determine the role of this variant in disease. Therefore, it has been classified as a Variant of Uncertain Significance.

Blueprint Genetics
Classification: Likely benign. Last evaluated: 2024-11-21. Review status: criteria provided, single submitter. Criteria: ACMG Guidelines, 2015. Collection method: clinical testing. Allele origin: germline.

Ambry Genetics
Classification: Likely benign for Inborn genetic diseases. Last evaluated: 2021-11-24. Review status: criteria provided, single submitter. Criteria: Ambry Variant Classification Scheme 2023. Collection method: clinical testing. Allele origin: germline.

GeneDx
Classification: Likely benign. Last evaluated: 2020-07-30. Review status: criteria provided, single submitter. Criteria: GeneDx Variant Classification Process June 2021. Collection method: clinical testing. Allele origin: germline. Affected: yes.